The following is an entry in ClinVar:

ClinVar aggregate classification (germline): Uncertain significance (1 of 4 stars; one submission).

Conditions:
Muscle AMP deaminase deficiency (MMDD). Also called: Myoadenylate deaminase deficiency, myopathy due to; AMPD1 DEFICIENCY; Adenosine monophosphate deaminase 1 deficiency; AMP deaminase 1 deficiency; Adenosine Monophosphate Deaminase 1; ADENOSINE MONOPHOSPHATE DEAMINASE-1 DEFICIENCY, MYOPATHY DUE TO. Identifiers: Orphanet 45, MedGen C3714933, MONDO:0014220, OMIM 615511.

Allele frequency attached by ClinVar (database versions not stated): gnomAD exomes 0.00003; gnomAD 0.00004; TOPMed 0.00005; ExAC 0.00008; 1000 Genomes Project 30x 0.00016; 1000 Genomes Project 0.00020.
gnomAD v4.1: 58 of 1,609,720 alleles (0.0036%); highest among the groups gnomAD compares: East Asian, 0.096%; no homozygotes.

Submission:

Labcorp Genetics (formerly Invitae), Labcorp
Classification: Uncertain significance for Muscle AMP deaminase deficiency. Last evaluated: 2022-04-04. Review status: criteria provided, single submitter. Criteria: Invitae Variant Classification Sherloc (09022015). Collection method: clinical testing. Allele origin: germline.
Comment: This sequence change falls in intron 2 of the AMPD1 gene. It does not directly change the encoded amino acid sequence of the AMPD1 protein. It affects a nucleotide within the consensus splice site. This variant is present in population databases (rs117880627, gnomAD 0.1%). This variant has not been reported in the literature in individuals affected with AMPD1-related conditions. Variants that disrupt the consensus splice site are a relatively common cause of aberrant splicing (PMID: 17576681, 9536098). Algorithms developed to predict the effect of sequence changes on RNA splicing suggest that this variant may disrupt the consensus splice site. In summary, the available evidence is currently insufficient to determine the role of this variant in disease. Therefore, it has been classified as a Variant of Uncertain Significance.

Literature cited by the submitters: PubMed 17576681; PubMed 9536098.

NM_000036.3(AMPD1):c.34+5G>A

Gene: AMPD1 (adenosine monophosphate deaminase 1; minus strand). Cytogenetic location: 1p13.2.
Variant type: single nucleotide variant.
Coding change: c.34+5G>A on transcript NM_000036.3 (MANE Select); 5 bases into the intron after coding-DNA position 34, G replaced by A.
Molecular consequence: intron variant.
Genome position (GRCh38, 1-based): chr1:114,693,431, C>T on the plus strand (G>A on the coding strand, the complement: AMPD1 is on the minus strand). VCF-style: chr1-114693431-C-T. GRCh37 (hg19) VCF-style: chr1-115236052-C-T.
Other names: c.22+2019G>A (NM_001172626.2).
Identifiers: ClinVar variation 2195547 (VCV002195547.2), dbSNP rs117880627, ClinGen allele CA1020609.